The following is an entry in ClinVar:

NM_032043.3(BRIP1):c.2257+8G>T

Gene: BRIP1 (BRCA1 interacting DNA helicase 1; minus strand). Cytogenetic location: 17q23.2.
Variant type: single nucleotide variant.
Coding change: c.2257+8G>T on transcript NM_032043.3 (MANE Select); 8 bases into the intron after coding-DNA position 2257, G replaced by T.
Molecular consequence: intron variant.
Genome position (GRCh38, 1-based): chr17:61,744,424, C>A on the plus strand (G>T on the coding strand, the complement: BRIP1 is on the minus strand). VCF-style: chr17-61744424-C-A. GRCh37 (hg19) VCF-style: chr17-59821785-C-A.
Identifiers: ClinVar variation 965635 (VCV000965635.11), dbSNP rs2077029126, ClinGen allele CA1139665773.

ClinVar aggregate classification (germline): Likely benign. Review status: criteria provided, multiple submitters, no conflicts (2 of 4 stars). 2 submissions from 2 submitters: Likely benign (2). Last evaluated 2024-09-03.

Conditions:
Fanconi anemia complementation group J. Also called: BRIP1-Related Fanconi Anemia. Identifiers: Orphanet 84, MedGen C1836860, MONDO:0012187, OMIM 609054.
Familial cancer of breast. Also called: BREAST CANCER, FAMILIAL; Hereditary breast cancer; hereditary breast carcinoma. Identifiers: Orphanet 227535, MedGen C0346153, MONDO:0016419, OMIM 114480. Disease mechanism: loss of function.

Submissions (2):

Myriad Genetics, Inc.
Classification: Likely benign for Familial cancer of breast. Last evaluated: 2024-09-03. Review status: criteria provided, single submitter. Criteria: Myriad Autosomal Dominant, Autosomal Recessive and X-Linked Classification Criteria (2023). Collection method: clinical testing. Allele origin: unknown.
Comment: This variant is considered likely benign. This variant is intronic and is not expected to impact mRNA splicing.

Labcorp Genetics (formerly Invitae), Labcorp
Classification: Likely benign for Familial cancer of breast; Fanconi anemia complementation group J. Last evaluated: 2023-11-28. Review status: criteria provided, single submitter. Criteria: Invitae Variant Classification Sherloc (09022015). Collection method: clinical testing. Allele origin: germline.